The following is an entry in ClinVar:

ClinVar aggregate classification (germline): Uncertain significance (1 of 4 stars; one submission).

Allele frequency attached by ClinVar (database versions not stated): gnomAD 0.00003; TOPMed 0.00004; ExAC 0.00012; 1000 Genomes Project 30x 0.00016; 1000 Genomes Project 0.00020.
gnomAD v4.1: 13 of 1,415,218 alleles (0.00092%); highest among the groups gnomAD compares: East Asian, 0.029%; no homozygotes.

Submission:

Labcorp Genetics (formerly Invitae), Labcorp
Classification: Uncertain significance. Last evaluated: 2026-01-26. Review status: criteria provided, single submitter. Criteria: Invitae Variant Classification Sherloc (09022015). Collection method: clinical testing. Allele origin: germline.
Comment: This sequence change affects codon 206 of the POLE2 mRNA. It is a 'silent' change, meaning that it does not change the encoded amino acid sequence of the POLE2 protein. The frequency data for this variant in the population databases is considered unreliable, as metrics indicate poor data quality at this position in the gnomAD database. This variant has not been reported in the literature in individuals affected with POLE2-related conditions. ClinVar contains an entry for this variant (Variation ID: 1942787). Algorithms developed to predict the effect of sequence changes on RNA splicing suggest that this variant may disrupt the consensus splice site. In summary, the available evidence is currently insufficient to determine the role of this variant in disease. Therefore, it has been classified as a Variant of Uncertain Significance.

NM_002692.4(POLE2):c.616C>T (p.Leu206=)

Gene: POLE2 (DNA polymerase epsilon 2, accessory subunit; minus strand). Cytogenetic location: 14q21.3.
Variant type: single nucleotide variant.
Coding change: c.616C>T on transcript NM_002692.4 (MANE Select); coding-DNA position 616, C replaced by T.
Protein change: p.Leu206=; no amino-acid change (leucine 206 retained).
Molecular consequence: synonymous variant.
Genome position (GRCh38, 1-based): chr14:49,665,124, G>A on the plus strand (C>T on the coding strand, the complement: POLE2 is on the minus strand). VCF-style: chr14-49665124-G-A. GRCh37 (hg19) VCF-style: chr14-50131842-G-A.
Other names: c.538C>T, p.Leu180= (NM_001197330.2); c.616C>T, p.Leu206= (NM_001197331.3, NM_001348384.2); c.385C>T, p.Leu129= (NM_001348385.2).
Identifiers: ClinVar variation 1942787 (VCV001942787.5), dbSNP rs574742445, ClinGen allele CA7173546.